The following is an entry in ClinVar:

NM_000059.4(BRCA2):c.8740C>G (p.Pro2914Ala)

Gene: BRCA2 (BRCA2 DNA repair associated; plus strand). Cytogenetic location: 13q13.1.
Variant type: single nucleotide variant.
Coding change: c.8740C>G on transcript NM_000059.4 (MANE Select); coding-DNA position 8740, C replaced by G.
Protein change: p.Pro2914Ala; replaces proline 2914 with alanine.
Molecular consequence: missense variant.
Genome position (GRCh38, 1-based): chr13:32,376,777, C>G. VCF-style: chr13-32376777-C-G. GRCh37 (hg19) VCF-style: chr13-32950914-C-G.
Other names: short protein forms P2914A.
Identifiers: ClinVar variation 233149 (VCV000233149.23), dbSNP rs876660226, ClinGen allele CA10579797.

ClinVar aggregate classification (germline): Conflicting classifications of pathogenicity. Review status: criteria provided, conflicting classifications (1 of 4 stars). 5 submissions from 5 submitters: Uncertain significance (4); Likely benign (1). Last evaluated 2025-08-13.

Conditions:
Hereditary cancer-predisposing syndrome. Also called: Neoplastic Syndromes, Hereditary; Tumor predisposition; Hereditary Cancer Syndrome; Hereditary neoplastic syndrome. Identifiers: Orphanet 140162, MedGen C0027672, MeSH D009386, MONDO:0015356.
Familial cancer of breast. Also called: BREAST CANCER, FAMILIAL; hereditary breast carcinoma; Hereditary breast cancer. Identifiers: Orphanet 227535, MedGen C0346153, MONDO:0016419, OMIM 114480. Disease mechanism: loss of function.
Hereditary breast ovarian cancer syndrome. Also called: Hereditary breast and ovarian cancer syndrome; BRCA1- and BRCA2-Associated Hereditary Breast and Ovarian Cancer; Breast and ovarian cancer; Hereditary breast and/or ovarian cancer syndrome; Hereditary breast and ovarian cancer; Hereditary breast and ovarian cancer syndrome (HBOC). Identifiers: Orphanet 145, MedGen C0677776, MeSH D061325, MONDO:0003582. Disease mechanism: loss of function.

Submissions (5):

Quest Diagnostics Nichols Institute San Juan Capistrano
Classification: Uncertain significance. Last evaluated: 2025-08-13. Review status: criteria provided, single submitter. Criteria: Quest Diagnostics criteria. Collection method: clinical testing. Allele origin: unknown.
Comment: The BRCA2 c.8740C>G (p.Pro2914Ala) variant has not been reported in individuals with BRCA2-related conditions in the published literature. This variant showed benign effects in a saturation genome editing assay measuring DNA repair-dependent cell survival (PMIDs: 39779848 (2025)). This variant has not been reported in large, multi-ethnic general populations (Genome Aggregation Database). Analysis of this variant using bioinformatics tools for the prediction of the effect of amino acid changes on protein structure and function yielded conflicting predictions that this variant is benign or damaging. Based on the available information, we are unable to determine the clinical significance of this variant.

Ambry Genetics
Classification: Likely benign for Hereditary cancer-predisposing syndrome. Last evaluated: 2025-05-15. Review status: criteria provided, single submitter. Criteria: Ambry Variant Classification Scheme 2023. Collection method: clinical testing. Allele origin: germline.

Labcorp Genetics (formerly Invitae), Labcorp
Classification: Uncertain significance for Hereditary breast ovarian cancer syndrome. Last evaluated: 2025-04-29. Review status: criteria provided, single submitter. Criteria: Invitae Variant Classification Sherloc (09022015). Collection method: clinical testing. Allele origin: germline.
Comment: This sequence change replaces proline, which is neutral and non-polar, with alanine, which is neutral and non-polar, at codon 2914 of the BRCA2 protein (p.Pro2914Ala). This variant is not present in population databases (gnomAD no frequency). This variant has not been reported in the literature in individuals affected with BRCA2-related conditions. ClinVar contains an entry for this variant (Variation ID: 233149). Invitae Evidence Modeling of protein sequence and biophysical properties (such as structural, functional, and spatial information, amino acid conservation, physicochemical variation, residue mobility, and thermodynamic stability) indicates that this missense variant is not expected to disrupt BRCA2 protein function with a negative predictive value of 95%. In summary, the available evidence is currently insufficient to determine the role of this variant in disease. Therefore, it has been classified as a Variant of Uncertain Significance.

Baylor Genetics
Classification: Uncertain significance for Familial cancer of breast. Last evaluated: 2023-10-31. Review status: criteria provided, single submitter. Criteria: ACMG Guidelines, 2015. Collection method: clinical testing. Allele origin: unknown.

Color Diagnostics, LLC DBA Color Health
Classification: Uncertain significance for Hereditary cancer-predisposing syndrome. Last evaluated: 2019-06-05. Review status: criteria provided, single submitter. Criteria: ACMG Guidelines, 2015. Collection method: clinical testing. Allele origin: germline.

Literature cited by the submitters: PubMed 39779848 (cited by Quest Diagnostics Nichols Institute San Juan Capistrano).